The following is an entry in ClinVar:

NM_001290060.2(SEMA3B):c.983C>T (p.Ser328Phe)

Gene: SEMA3B (semaphorin 3B; plus strand). Cytogenetic location: 3p21.31.
Variant type: single nucleotide variant.
Coding change: c.983C>T on transcript NM_001290060.2 (MANE Select); coding-DNA position 983, C replaced by T.
Protein change: p.Ser328Phe; replaces serine 328 with phenylalanine.
Molecular consequence: missense variant. On other transcripts: 5 prime UTR variant (2).
Genome position (GRCh38, 1-based): chr3:50,273,819, C>T. VCF-style: chr3-50273819-C-T. GRCh37 (hg19) VCF-style: chr3-50311250-C-T.
Other names: c.983C>T (NM_004636.2); c.998C>T, p.Ser333Phe (NM_001290061.1); c.-44C>T (NM_001290062.2); c.-47C>T (NM_001290063.2); c.983C>T, p.Ser328Phe (NM_004636.4, NM_001005914.3); short protein forms S328F, S333F.
Identifiers: ClinVar variation 3354989 (VCV003354989.2).
Genomic context (GRCh38, chr3:50,273,819, plus strand): 5'-AGGATGTGTTTCTGTTGTCCTCGCGGGACCACCGGACCCCGCTGCTCTATGCCGTCTTCT[C>T]CACGTCCAGGTGAGGGGCAGGAGGTAGGGAGCGCCCGGGGCGGGCCGCTGGGCTCCACCC-3'
Protein context (NP_001276989.1, residues 318-338): HRTPLLYAVF[Ser328Phe]TSSSIFQGSA

ClinVar aggregate classification (germline): Uncertain significance. Review status: criteria provided, single submitter (1 of 4 stars). 2 submissions from 2 submitters: Uncertain significance (1). 1 of the submissions does not count toward it. Last evaluated 2024-11-09.

Conditions:
SEMA3B-related disorder. Also called: SEMA3B-related condition.

gnomAD v4.1: 1 of 1,581,114 alleles (0.000063%); highest among the groups gnomAD compares: Non-Finnish European, 0.000086%; no homozygotes.

Submissions (2):

Ambry Genetics
Classification: Uncertain significance. Last evaluated: 2024-11-09. Review status: criteria provided, single submitter. Criteria: Ambry Variant Classification Scheme 2023. Collection method: clinical testing. Allele origin: germline.

PreventionGenetics, part of Exact Sciences
Classification: Likely benign for SEMA3B-related condition. Last evaluated: 2021-11-19. Review status: no assertion criteria provided. Collection method: clinical testing. Allele origin: germline. Not counted in ClinVar's aggregate classification.
Comment: This variant is classified as likely benign based on ACMG/AMP sequence variant interpretation guidelines (Richards et al. 2015 PMID: 25741868, with internal and published modifications).